The following is an entry in ClinVar:

NM_004637.6(RAB7A):c.181-3C>T

Gene: RAB7A (RAB7A, member RAS oncogene family; plus strand). Cytogenetic location: 3q21.3.
Variant type: single nucleotide variant.
Coding change: c.181-3C>T on transcript NM_004637.6 (MANE Select); 3 bases into the intron before coding-DNA position 181, C replaced by T.
Molecular consequence: intron variant.
Genome position (GRCh38, 1-based): chr3:128,806,369, C>T. VCF-style: chr3-128806369-C-T. GRCh37 (hg19) VCF-style: chr3-128525212-C-T.
Identifiers: ClinVar variation 837693 (VCV000837693.9), dbSNP rs1411160897, ClinGen allele CA898703584.

ClinVar aggregate classification (germline): Uncertain significance (1 of 4 stars; one submission).

Conditions:
Charcot-Marie-Tooth disease type 2B (CMT2B). Also called: CHARCOT-MARIE-TOOTH DISEASE, AXONAL, TYPE 2B; CHARCOT-MARIE-TOOTH DISEASE, AUTOSOMAL DOMINANT, TYPE 2B; HEREDITARY MOTOR AND SENSORY NEUROPATHY IIB; Charcot-Marie-Tooth Neuropathy Type 2B. Identifiers: Orphanet 99936, MedGen C1833219, MONDO:0010949, OMIM 600882.

Allele frequency attached by ClinVar (database versions not stated): gnomAD exomes below 0.00001; TOPMed 0.00002.
gnomAD v4.1: 1 of 1,604,668 alleles (0.000062%); highest among the groups gnomAD compares: Admixed American, 0.0017%; no homozygotes.

Submission:

Labcorp Genetics (formerly Invitae), Labcorp
Classification: Uncertain significance for Charcot-Marie-Tooth disease type 2B. Last evaluated: 2019-03-04. Review status: criteria provided, single submitter. Criteria: Invitae Variant Classification Sherloc (09022015). Collection method: clinical testing. Allele origin: germline.
Comment: In summary, the available evidence is currently insufficient to determine the role of this variant in disease. Therefore, it has been classified as a Variant of Uncertain Significance. Nucleotide substitutions within the consensus splice site are a relatively common cause of aberrant splicing (PMID: 17576681, 9536098). Algorithms developed to predict the effect of sequence changes on RNA splicing suggest that this variant is not likely to affect RNA splicing, but this prediction has not been confirmed by published transcriptional studies. This variant has not been reported in the literature in individuals with RAB7A-related conditions. This variant is not present in population databases (ExAC no frequency). This sequence change falls in intron 3 of the RAB7A gene. It does not directly change the encoded amino acid sequence of the RAB7A protein, but it affects a nucleotide within the consensus splice site of the intron.

Literature cited by the submitters: PubMed 17576681; PubMed 9536098.